The following is an entry in ClinVar:

NM_000289.6(PFKM):c.747+24T>G

Gene: PFKM (phosphofructokinase, muscle; plus strand). Cytogenetic location: 12q13.11.
Variant type: single nucleotide variant.
Coding change: c.747+24T>G on transcript NM_000289.6 (MANE Select); 24 bases into the intron after coding-DNA position 747, T replaced by G.
Molecular consequence: intron variant.
Genome position (GRCh38, 1-based): chr12:48,134,853, T>G. VCF-style: chr12-48134853-T-G. GRCh37 (hg19) VCF-style: chr12-48528636-T-G.
Other names: c.771+24T>G (NM_001354741.2); c.747+24T>G (NM_001354742.2, NM_001354743.2, NM_001354744.2 and 4 more transcripts); c.597+24T>G (NM_001354747.2, NM_001354748.2); c.960+24T>G (NM_001166686.2, NM_001354737.1, NM_001354739.1 and 1 more transcripts); c.1056+24T>G (NM_001354736.1, NM_001354735.1); c.891+24T>G (NM_001354740.1); c.660+24T>G (NM_001354745.2).
Identifiers: ClinVar variation 255766 (VCV000255766.6), dbSNP rs149600978, ClinGen allele CA6537092.

ClinVar aggregate classification (germline): Likely benign. Review status: criteria provided, multiple submitters, no conflicts (2 of 4 stars). 3 submissions from 3 submitters: Likely benign (2). 1 of the submissions does not count toward it. Last evaluated 2018-06-16.

Allele frequency attached by ClinVar (database versions not stated): gnomAD exomes 0.00109 and 0.00253; ExAC 0.00298; gnomAD 0.00839 and 0.00875; 1000 Genomes Project 30x 0.00968; TOPMed 0.00974; ESP Exome Variant Server 0.00976; 1000 Genomes Project 0.00998.
gnomAD v4.1: 2,927 of 1,601,772 alleles (0.18%); highest among the groups gnomAD compares: African/African-American, 2.9%; 32 homozygotes.

Submissions (3):

GeneDx
Classification: Likely benign. Last evaluated: 2018-06-16. Review status: criteria provided, single submitter. Criteria: GeneDx Variant Classification (06012015). Collection method: clinical testing. Allele origin: germline. Affected: yes.
Comment: This variant is considered likely benign or benign based on one or more of the following criteria: it is a conservative change, it occurs at a poorly conserved position in the protein, it is predicted to be benign by multiple in silico algorithms, and/or has population frequency not consistent with disease.

PreventionGenetics, part of Exact Sciences
Classification: Likely benign. Review status: criteria provided, single submitter. Criteria: ACMG Guidelines, 2015. Collection method: clinical testing. Allele origin: germline.

Mayo Clinic Laboratories, Mayo Clinic
Classification: Benign. Last evaluated: 2017-09-21. Review status: no assertion criteria provided. Collection method: clinical testing. Allele origin: unknown. Not counted in ClinVar's aggregate classification.